The following is an entry in ClinVar:

ClinVar aggregate classification (germline): Likely pathogenic (1 of 4 stars; one submission).

Conditions:
Familial cancer of breast. Also called: Hereditary breast cancer; hereditary breast carcinoma; BREAST CANCER, FAMILIAL. Identifiers: Orphanet 227535, MedGen C0346153, MONDO:0016419, OMIM 114480. Disease mechanism: loss of function.

Submission:

Labcorp Genetics (formerly Invitae), Labcorp
Classification: Likely pathogenic for Familial cancer of breast. Last evaluated: 2023-12-23. Review status: criteria provided, single submitter. Criteria: Invitae Variant Classification Sherloc (09022015). Collection method: clinical testing. Allele origin: germline.
Comment: This variant results in a copy number gain of the genomic region encompassing exon(s) 12 of the PALB2 gene. While the exact position of this variant cannot be determined from the data, sub-genic copy number gains are generally in tandem (PMID: 25640679). This variant is predicted to be out-of-frame, and may result in an absent or disrupted protein product. Loss-of-function variants in PALB2 are known to be pathogenic (PMID: 17200668, 17200671, 17200672, 24136930, 25099575). This variant has not been reported in the literature in individuals affected with PALB2-related conditions. In summary, the currently available evidence indicates that the variant is pathogenic, but additional data are needed to prove that conclusively. Therefore, this variant has been classified as Likely Pathogenic.

Literature cited by the submitters: PubMed 25640679; PubMed 17200668; PubMed 17200671; PubMed 17200672; PubMed 24136930; PubMed 25099575.

NC_000016.9:g.(?_23619175)_(23619343_?)dup

Gene: PALB2 (partner and localizer of BRCA2; minus strand). Cytogenetic location: 16p12.2.
Variant type: Duplication.
Identifiers: ClinVar variation 583812 (VCV000583812.8).